The following is an entry in ClinVar:

NM_004006.3(DMD):c.10223+4A>G

Gene: DMD (dystrophin; minus strand). Cytogenetic location: Xp21.2.
Variant type: single nucleotide variant.
Coding change: c.10223+4A>G on transcript NM_004006.3 (MANE Select); 4 bases into the intron after coding-DNA position 10223, A replaced by G.
Molecular consequence: intron variant. On other transcripts: stop lost (1).
Genome position (GRCh38, 1-based): chrX:31,178,665, T>C on the plus strand (A>G on the coding strand, the complement: DMD is on the minus strand). VCF-style: chrX-31178665-T-C. GRCh37 (hg19) VCF-style: chrX-31196782-T-C.
Other names: c.1023A>G, p.Ter341Trp (NM_004019.3); c.10199+4A>G (NM_000109.4); c.6200+4A>G (NM_004011.4); c.6191+4A>G (NM_004012.4); c.2843+4A>G (NM_004023.3, NM_004020.4, NM_004022.3 and 2 more transcripts); c.2036+4A>G (NM_004014.3); c.1019+4A>G (NM_004018.3, NM_004017.3, NM_004016.3 and 1 more transcripts); c.10211+4A>G (NM_004009.3); and 2 more.
Identifiers: ClinVar variation 1685700 (VCV001685700.3), dbSNP rs2148290215, ClinGen allele CA2573158728.

ClinVar aggregate classification (germline): Conflicting classifications of pathogenicity. Review status: criteria provided, conflicting classifications (1 of 4 stars). 3 submissions from 3 submitters: Pathogenic (1); Likely pathogenic (1); Uncertain significance (1). Last evaluated 2023-07-29.

Conditions:
Dilated cardiomyopathy 3B (CMD3B). Also called: CMD3B: DMD-Related Dilated Cardiomyopathy; CARDIOMYOPATHY, DILATED, X-LINKED; DMD-Associated Dilated Cardiomyopathy. Identifiers: Orphanet 154, MedGen C3668940, MONDO:0010542, OMIM 302045.
Becker muscular dystrophy (BMD). Also called: MUSCULAR DYSTROPHY, PSEUDOHYPERTROPHIC PROGRESSIVE, BECKER TYPE; Becker Muscular Dystrophy (BMD). Identifiers: Orphanet 98895, MedGen C0917713, MONDO:0010311, OMIM 300376.
Duchenne muscular dystrophy (DMD). Also called: Duchenne Muscular Dystrophy (DMD); MUSCULAR DYSTROPHY, PSEUDOHYPERTROPHIC PROGRESSIVE, DUCHENNE TYPE. Identifiers: Orphanet 98896, MedGen C0013264, MONDO:0010679, OMIM 310200.
DMD-related disorder. Also called: DMD-related condition.

Submissions (3):

PreventionGenetics, part of Exact Sciences
Classification: Uncertain significance for DMD-related condition. Last evaluated: 2023-07-29. Review status: criteria provided, single submitter. Criteria: ACMG Guidelines, 2015. Collection method: clinical testing. Allele origin: germline.
Comment: The DMD c.10223+4A>G variant is predicted to interfere with splicing. In an alternate transcript, this variant leads to protein extension through removal of the stop codon (NM_004019.2:c.1023A>G (p.*341Trpext*11)). To our knowledge, this variant has not been reported in the literature or in a large population database, indicating this variant is rare. It is interpreted as pathogenic by a single submission in ClinVar; however, no supporting evidence was provided. Numerous other splicing variants have been reported as causative at this splice junction in the Human Gene Mutation Database (HGMD) and Leiden Open Variation Database (LOVD), including many outside of the canonical splice site, at the +3, +5, and +6 positions (HGMD; LOVD; Neri et al. 2020. PubMed ID: 32194622). Although we suspect that this variant may be pathogenic, at this time, the clinical significance of this variant is uncertain due to the absence of conclusive functional and genetic evidence.

Mendelics
Classification: Pathogenic for Becker muscular dystrophy. Last evaluated: 2022-05-04. Review status: criteria provided, single submitter. Criteria: Mendelics Assertion Criteria 2019. Collection method: clinical testing. Allele origin: germline.

Molecular Genetics Department, Kulakov National Medical Research Center for Obstetrics, Gynecology and Perinatology
Classification: Likely pathogenic for Becker muscular dystrophy; Dilated cardiomyopathy 3B; Duchenne muscular dystrophy. Review status: criteria provided, single submitter. Criteria: ACMG Guidelines, 2015. Collection method: clinical testing. Allele origin: germline. Affected: yes. Observed: 1 variant allele.
Comment: Hemizygous variants are reported in patients with Becker muscular dystrophy, 300376, Duchenne muscular dystrophy, 310200; heterozygous variants are reported in patients with Cardiomyopathy, dilated, 3B, 302045. Variant prediction algorithms for splicing classify the variant as pathogenic (SpliceAI: 0.93 (DL)). The variant is not present in population database (gnomAD no frequency). In summary, the currently available evidence indicates that the variant is pathogenic, but additional data are needed to prove that conclusively. Therefore, this variant has been classified as likely pathogenic.